The following is an entry in ClinVar:

NM_001374736.1(DST):c.4435G>A (p.Val1479Ile)

Gene: DST (dystonin; minus strand). Cytogenetic location: 6p12.1.
Variant type: single nucleotide variant.
Coding change: c.4435G>A on transcript NM_001374736.1 (MANE Select); coding-DNA position 4435, G replaced by A.
Protein change: p.Val1479Ile; replaces valine 1479 with isoleucine.
Molecular consequence: missense variant.
Genome position (GRCh38, 1-based): chr6:56,629,290, C>T on the plus strand (G>A on the coding strand, the complement: DST is on the minus strand). VCF-style: chr6-56629290-C-T. GRCh37 (hg19) VCF-style: chr6-56494088-C-T.
Other names: c.4336G>A, p.Val1446Ile (NM_001144769.5); c.3922G>A, p.Val1308Ile (NM_001144770.2); c.4435G>A, p.Val1479Ile (NM_001374722.1); c.3802G>A, p.Val1268Ile (NM_001374729.1, NM_001374730.1, NM_001386100.1 and 1 more transcripts); c.4462G>A, p.Val1488Ile (NM_001374734.1); c.2824G>A, p.Val942Ile (NM_001723.7, NM_015548.5); short protein forms V1268I, V1308I, V1446I, V1479I, V1488I, V942I.
Identifiers: ClinVar variation 2656676 (VCV002656676.24), dbSNP rs2536928949, ClinGen allele CA364573622.

ClinVar aggregate classification (germline): Uncertain significance (1 of 4 stars; one submission).

Submission:

CeGaT Center for Human Genetics Tuebingen
Classification: Uncertain significance. Last evaluated: 2023-07-01. Review status: criteria provided, single submitter. Criteria: CeGaT Center For Human Genetics Tuebingen Variant Classification Criteria Version 2. Collection method: clinical testing. Allele origin: germline. Affected: yes. Observed: 1 variant allele.
Comment: DST: PM2, BP4